The following is an entry in ClinVar:

ClinVar aggregate classification (germline): Uncertain significance (1 of 4 stars; one submission).

Conditions:
Niemann-Pick disease, type C1. Also called: NIEMANN-PICK DISEASE, VARIANT TYPE C1; NEUROVISCERAL STORAGE DISEASE WITH VERTICAL SUPRANUCLEAR OPHTHALMOPLEGIA; NIEMANN-PICK DISEASE WITH CHOLESTEROL ESTERIFICATION BLOCK; NIEMANN-PICK DISEASE WITHOUT SPHINGOMYELINASE DEFICIENCY; NIEMANN-PICK DISEASE, CHRONIC NEURONOPATHIC FORM. Identifiers: Orphanet 646, MedGen C3179455, MONDO:0009757, OMIM 257220.

Allele frequency attached by ClinVar (database versions not stated): gnomAD exomes below 0.00001; TOPMed below 0.00001; gnomAD 0.00001; ExAC 0.00002.
gnomAD v4.1: 8 of 1,614,014 alleles (0.0005%); highest among the groups gnomAD compares: Non-Finnish European, 0.00034%; no homozygotes.

Submission:

Labcorp Genetics (formerly Invitae), Labcorp
Classification: Uncertain significance for Niemann-Pick disease, type C1. Last evaluated: 2025-06-02. Review status: criteria provided, single submitter. Criteria: Invitae Variant Classification Sherloc (09022015). Collection method: clinical testing. Allele origin: germline.
Comment: This sequence change replaces aspartic acid, which is acidic and polar, with asparagine, which is neutral and polar, at codon 57 of the NPC1 protein (p.Asp57Asn). This variant is present in population databases (rs745994349, gnomAD 0.008%). This variant has not been reported in the literature in individuals affected with NPC1-related conditions. ClinVar contains an entry for this variant (Variation ID: 2416252). Invitae Evidence Modeling of protein sequence and biophysical properties (such as structural, functional, and spatial information, amino acid conservation, physicochemical variation, residue mobility, and thermodynamic stability) has been performed for this missense variant. However, the output from this modeling did not meet the statistical confidence thresholds required to predict the impact of this variant on NPC1 protein function. In summary, the available evidence is currently insufficient to determine the role of this variant in disease. Therefore, it has been classified as a Variant of Uncertain Significance.

NM_000271.5(NPC1):c.169G>A (p.Asp57Asn)

Gene: NPC1 (NPC intracellular cholesterol transporter 1; minus strand). Cytogenetic location: 18q11.2.
Variant type: single nucleotide variant.
Coding change: c.169G>A on transcript NM_000271.5 (MANE Select); coding-DNA position 169, G replaced by A.
Protein change: p.Asp57Asn; replaces aspartic acid 57 with asparagine.
Molecular consequence: missense variant.
Genome position (GRCh38, 1-based): chr18:23,573,463, C>T on the plus strand (G>A on the coding strand, the complement: NPC1 is on the minus strand). VCF-style: chr18-23573463-C-T. GRCh37 (hg19) VCF-style: chr18-21153427-C-T.
Other names: short protein forms D57N.
Identifiers: ClinVar variation 2416252 (VCV002416252.4), dbSNP rs745994349, ClinGen allele CA8913816.